The following is an entry in ClinVar:

NM_001290060.2(SEMA3B):c.534C>T (p.Ser178=)

Gene: SEMA3B (semaphorin 3B; plus strand). Cytogenetic location: 3p21.31.
Variant type: single nucleotide variant.
Coding change: c.534C>T on transcript NM_001290060.2 (MANE Select); coding-DNA position 534, C replaced by T.
Protein change: p.Ser178=; no amino-acid change (serine 178 retained).
Molecular consequence: synonymous variant.
Genome position (GRCh38, 1-based): chr3:50,271,171, C>T. VCF-style: chr3-50271171-C-T. GRCh37 (hg19) VCF-style: chr3-50308602-C-T.
Other names: c.534C>T, p.Ser178= (NM_001005914.3, NM_001290061.1, NM_004636.4).
Identifiers: ClinVar variation 3032813 (VCV003032813.2), dbSNP rs1021369090, ClinGen allele CA74621105.
Genomic context (GRCh38, chr3:50,271,171, plus strand): 5'-AGGAAGGATAGAGGATGGCAAGGGGAAGAGTCCTTATGACCCCAGGCATCGGGCTGCCTC[C>T]GTGCTGGTGGGTGAGTCCAAGGGCTAAGGCCCCAAGAGAACCCCTTAGAAACTCTAGAAC-3'
Protein context (NP_001276989.1, residues 168-188): SPYDPRHRAA[Ser178=]VLVGEELYSG

ClinVar aggregate classification (germline): Likely benign (0 of 4 stars; one submission).

Conditions:
SEMA3B-related disorder. Also called: SEMA3B-related condition.

Allele frequency attached by ClinVar (database versions not stated): TOPMed 0.00001; gnomAD 0.00003.

Submission:

PreventionGenetics, part of Exact Sciences
Classification: Likely benign for SEMA3B-related condition. Last evaluated: 2023-09-26. Review status: no assertion criteria provided. Collection method: clinical testing. Allele origin: germline.
Comment: This variant is classified as likely benign based on ACMG/AMP sequence variant interpretation guidelines (Richards et al. 2015 PMID: 25741868, with internal and published modifications).